The following is an entry in ClinVar:

ClinVar aggregate classification (germline): Uncertain significance. Review status: criteria provided, multiple submitters, no conflicts (2 of 4 stars). 4 submissions from 4 submitters: Uncertain significance (3). 1 of the submissions does not count toward it. Last evaluated 2024-10-31.

Conditions:
Cardiovascular phenotype. Identifiers: MedGen CN230736.
Alstrom syndrome (ALMS). Identifiers: Orphanet 64, MedGen C0268425, MONDO:0008763, OMIM 203800.

Allele frequency attached by ClinVar (database versions not stated): TOPMed below 0.00001; gnomAD exomes 0.00001; ExAC 0.00002; gnomAD 0.00002 and 0.00004.
gnomAD v4.1: 15 of 1,613,966 alleles (0.00093%); highest among the groups gnomAD compares: African/African-American, 0.0013%; no homozygotes.

Submissions (4):

Ambry Genetics
Classification: Uncertain significance for Cardiovascular phenotype. Last evaluated: 2024-10-31. Review status: criteria provided, single submitter. Criteria: Ambry Variant Classification Scheme 2023. Collection method: clinical testing. Allele origin: germline.
Comment: The p.Y1108H variant (also known as c.3322T>C), located in coding exon 8 of the ALMS1 gene, results from a T to C substitution at nucleotide position 3322. The tyrosine at codon 1108 is replaced by histidine, an amino acid with similar properties. This amino acid position is highly conserved in available vertebrate species. In addition, this alteration is predicted to be tolerated by in silico analysis. Since supporting evidence is limited at this time, the clinical significance of this alteration remains unclear.

Labcorp Genetics (formerly Invitae), Labcorp
Classification: Uncertain significance for Alstrom syndrome. Last evaluated: 2022-07-23. Review status: criteria provided, single submitter. Criteria: Invitae Variant Classification Sherloc (09022015). Collection method: clinical testing. Allele origin: germline.
Comment: This sequence change replaces tyrosine, which is neutral and polar, with histidine, which is basic and polar, at codon 1108 of the ALMS1 protein (p.Tyr1108His). This variant is present in population databases (rs746162373, gnomAD 0.003%). This variant has not been reported in the literature in individuals affected with ALMS1-related conditions. ClinVar contains an entry for this variant (Variation ID: 384518). Experimental studies and prediction algorithms are not available or were not evaluated, and the functional significance of this variant is currently unknown. In summary, the available evidence is currently insufficient to determine the role of this variant in disease. Therefore, it has been classified as a Variant of Uncertain Significance.

GeneDx
Classification: Uncertain significance. Last evaluated: 2016-03-01. Review status: criteria provided, single submitter. Criteria: GeneDx Variant Classification (06012015). Collection method: clinical testing. Allele origin: germline. Affected: yes.
Comment: The Y1108H variant in the ALMS1 gene has not been reported previously as a pathogenic variant, nor as a benign variant, to our knowledge. The Y1108H variant was not observed in approximately 6000 individuals of European and African American ancestry in the NHLBI Exome Sequencing Project, indicating it is not a common benign variant in these populations. The Y1108H variant is a non-conservative amino acid substitution, which occurs at a position that is conserved across mammalian species. However, in silico analysis is inconsistent in its predictions as to whether or not the variant is damaging to the protein structure/function. We interpret Y1108H as a variant of uncertain significance.

Natera, Inc.
Classification: Uncertain significance for Alstrom syndrome. Last evaluated: 2020-10-29. Review status: no assertion criteria provided. Collection method: clinical testing. Allele origin: germline. Not counted in ClinVar's aggregate classification.

NM_001378454.1(ALMS1):c.3319T>C (p.Tyr1107His)

Gene: ALMS1 (ALMS1 centrosome and basal body associated protein; plus strand). Cytogenetic location: 2p13.1.
Variant type: single nucleotide variant.
Coding change: c.3319T>C on transcript NM_001378454.1 (MANE Select); coding-DNA position 3319, T replaced by C.
Protein change: p.Tyr1107His; replaces tyrosine 1107 with histidine.
Molecular consequence: missense variant.
Genome position (GRCh38, 1-based): chr2:73,449,846, T>C. VCF-style: chr2-73449846-T-C. GRCh37 (hg19) VCF-style: chr2-73676973-T-C.
Other names: c.3322T>C, p.Tyr1108His (NM_015120.4); short protein forms Y1108H, Y1107H.
Identifiers: ClinVar variation 384518 (VCV000384518.7), dbSNP rs746162373, ClinGen allele CA1713504.
Genomic context (GRCh38, chr2:73,449,846, plus strand): 5'-ACTGACACACCAGCAGTACCGTCTACTTTCTACTCACAAAGAGAGAAGCCTGGTATTTTC[T>C]ACCAACAGACCTTGCCAGAGAGTCATCTGCCTAAAGAGGCTCTGAAAATTTCAGTAGCTC-3'
Protein context (NP_001365383.1, residues 1097-1117): YSQREKPGIF[Tyr1107His]QQTLPESHLP